The following is an entry in ClinVar:

ClinVar aggregate classification (germline): Uncertain significance (1 of 4 stars; one submission).

Submission:

Ambry Genetics
Classification: Uncertain significance. Last evaluated: 2024-08-02. Review status: criteria provided, single submitter. Criteria: Ambry Variant Classification Scheme 2023. Collection method: clinical testing. Allele origin: germline.
Comment: The p.P581T variant (also known as c.1741C>A), located in coding exon 9 of the PALLD gene, results from a C to A substitution at nucleotide position 1741. The proline at codon 581 is replaced by threonine, an amino acid with highly similar properties. This amino acid position is conserved. In addition, this alteration is predicted to be tolerated by in silico analysis. Based on the available evidence, the clinical significance of this variant remains unclear.

NM_001166108.2(PALLD):c.1741C>A (p.Pro581Thr)

Gene: PALLD (palladin, cytoskeletal associated protein; plus strand). Cytogenetic location: 4q32.3.
Variant type: single nucleotide variant.
Coding change: c.1741C>A on transcript NM_001166108.2 (MANE Select); coding-DNA position 1741, C replaced by A.
Protein change: p.Pro581Thr; replaces proline 581 with threonine.
Molecular consequence: missense variant.
Genome position (GRCh38, 1-based): chr4:168,711,700, C>A. VCF-style: chr4-168711700-C-A. GRCh37 (hg19) VCF-style: chr4-169632851-C-A.
Other names: c.595C>A, p.Pro199Thr (NM_001166109.2); c.1741C>A, p.Pro581Thr (NM_016081.4); short protein forms P199T, P581T.
Identifiers: ClinVar variation 3413586 (VCV003413586.1).